The following is an entry in ClinVar:

ClinVar aggregate classification (germline): Likely benign (1 of 4 stars; one submission).

Conditions:
Hypercholesterolemia, autosomal dominant, 3 (FHCL3). Also called: PCSK9-Related Familial Hypercholesterolemia, Autosomal Dominant; Familial Hypercholesterolemia, Autosomal Dominant, 3; Familial hypercholesterolemia 3. Identifiers: MedGen C1863551, MONDO:0011369, OMIM 603776.

Submission:

All of Us Research Program, National Institutes of Health
Classification: Likely benign for Hypercholesterolemia, autosomal dominant, 3. Last evaluated: 2023-02-15. Review status: criteria provided, single submitter. Criteria: ACMG Guidelines, 2015. Collection method: clinical testing. Allele origin: germline. Inheritance: Autosomal dominant inheritance. Observed: 1 variant allele, 1 heterozygote.
Comment: This study involves interpretation of variants in research participants for the purpose of population health screening. Participant phenotype was not available at the time of variant classification. Additional details can be found in publication PMID: 35346344, PMCID: PMC8962531

NM_174936.4(PCSK9):c.1774A>C (p.Arg592=)

Gene: PCSK9 (proprotein convertase subtilisin/kexin type 9; plus strand). Cytogenetic location: 1p32.3.
Variant type: single nucleotide variant.
Coding change: c.1774A>C on transcript NM_174936.4 (MANE Select); coding-DNA position 1774, A replaced by C.
Protein change: p.Arg592=; no amino-acid change (arginine 592 retained).
Molecular consequence: synonymous variant. On other transcripts: non-coding transcript variant (8).
Genome position (GRCh38, 1-based): chr1:55,061,467, A>C. VCF-style: chr1-55061467-A-C. GRCh37 (hg19) VCF-style: chr1-55527140-A-C.
Other names: c.1897A>C, p.Arg633= (NM_001407240.1); c.1816A>C, p.Arg606= (NM_001407241.1); c.1777A>C, p.Arg593= (NM_001407242.1); c.1717A>C, p.Arg573= (NM_001407243.1); c.1600A>C, p.Arg534= (NM_001407244.1); c.1582A>C, p.Arg528= (NM_001407245.1); c.1399A>C, p.Arg467= (NM_001407246.1); c.1273A>C, p.Arg425= (NM_001407247.1).
Identifiers: ClinVar variation 3069357 (VCV003069357.1), dbSNP rs2523278224, ClinGen allele CA417960535.